The following is an entry in ClinVar:

ClinVar aggregate classification (germline): Likely benign (1 of 4 stars; one submission).

Submission:

CeGaT Center for Human Genetics Tuebingen
Classification: Likely benign. Last evaluated: 2025-09-01. Review status: criteria provided, single submitter. Criteria: CeGaT Center For Human Genetics Tuebingen Variant Classification Criteria Version 2. Collection method: clinical testing. Allele origin: germline. Affected: yes. Observed: 1 variant allele.
Comment: HLA-B: PM2:Supporting, BP4, BP7

NM_005514.8(HLA-B):c.282G>A (p.Gln94=)

Gene: HLA-B (major histocompatibility complex, class I, B; minus strand). Cytogenetic location: 6p21.33.
Variant type: single nucleotide variant.
Coding change: c.282G>A on transcript NM_005514.8 (MANE Select); coding-DNA position 282, G replaced by A.
Protein change: p.Gln94=; no amino-acid change (glutamine 94 retained).
Molecular consequence: synonymous variant.
Genome position (GRCh38, 1-based): chr6:31,356,749, C>T on the plus strand (G>A on the coding strand, the complement: HLA-B is on the minus strand). VCF-style: chr6-31356749-C-T. GRCh37 (hg19) VCF-style: chr6-31324526-C-T.
Identifiers: ClinVar variation 4280750 (VCV004280750.7).
Genomic context (GRCh38, chr6:31,356,749, plus strand): 5'-GGCCTCGCTCTGGTTGTAGTAGCCGCGCAGGTTCCGCAGGCTCTCTCGGTCAGTCTGTGC[C>T]TGGGCCTTGTAGATCTGTGTGTTCCGGTCCCAATACTCCGGCCCCTCCTGCTCTATCCAC-3'
Protein context (NP_005505.2, residues 84-104): WDRNTQIYKA[Gln94=]AQTDRESLRN